The following is an entry in ClinVar:

ClinVar aggregate classification (germline): Uncertain significance. Review status: criteria provided, multiple submitters, no conflicts (2 of 4 stars). 2 submissions from 2 submitters: Uncertain significance (2). Last evaluated 2025-04-11.

Conditions:
Hereditary cancer-predisposing syndrome. Also called: Neoplastic Syndromes, Hereditary; Hereditary Cancer Syndrome; Hereditary neoplastic syndrome; Tumor predisposition. Identifiers: Orphanet 140162, MedGen C0027672, MeSH D009386, MONDO:0015356.

Allele frequency attached by ClinVar (database versions not stated): gnomAD exomes below 0.00001.
gnomAD v4.1: 3 of 1,614,168 alleles (0.00019%); highest among the groups gnomAD compares: South Asian, 0.0011%; no homozygotes.

Submissions (2):

Ambry Genetics
Classification: Uncertain significance for Hereditary cancer-predisposing syndrome. Last evaluated: 2025-04-11. Review status: criteria provided, single submitter. Criteria: Ambry Variant Classification Scheme 2023. Collection method: clinical testing. Allele origin: germline.
Comment: The p.R1059C variant (also known as c.3175C>T), located in coding exon 26 of the POLE gene, results from a C to T substitution at nucleotide position 3175. The arginine at codon 1059 is replaced by cysteine, an amino acid with highly dissimilar properties. This amino acid position is highly conserved in available vertebrate species. In addition, this alteration is predicted to be deleterious by in silico analysis. Based on the available evidence, the clinical significance of this variant remains unclear.

Labcorp Genetics (formerly Invitae), Labcorp
Classification: Uncertain significance. Last evaluated: 2025-04-10. Review status: criteria provided, single submitter. Criteria: Invitae Variant Classification Sherloc (09022015). Collection method: clinical testing. Allele origin: germline.
Comment: This sequence change replaces arginine, which is basic and polar, with cysteine, which is neutral and slightly polar, at codon 1059 of the POLE protein (p.Arg1059Cys). This variant is not present in population databases (gnomAD no frequency). This variant has not been reported in the literature in individuals affected with POLE-related conditions. ClinVar contains an entry for this variant (Variation ID: 540782). Invitae Evidence Modeling of protein sequence and biophysical properties (such as structural, functional, and spatial information, amino acid conservation, physicochemical variation, residue mobility, and thermodynamic stability) indicates that this missense variant is expected to disrupt POLE protein function with a positive predictive value of 80%. In summary, the available evidence is currently insufficient to determine the role of this variant in disease. Therefore, it has been classified as a Variant of Uncertain Significance.

NM_006231.4(POLE):c.3175C>T (p.Arg1059Cys)

Gene: POLE (DNA polymerase epsilon, catalytic subunit; minus strand). Cytogenetic location: 12q24.33.
Variant type: single nucleotide variant.
Coding change: c.3175C>T on transcript NM_006231.4 (MANE Select); coding-DNA position 3175, C replaced by T.
Protein change: p.Arg1059Cys; replaces arginine 1059 with cysteine.
Molecular consequence: missense variant.
Genome position (GRCh38, 1-based): chr12:132,659,395, G>A on the plus strand (C>T on the coding strand, the complement: POLE is on the minus strand). VCF-style: chr12-132659395-G-A. GRCh37 (hg19) VCF-style: chr12-133235981-G-A.
Other names: c.3175C>T (NM_006231.2); short protein forms R1059C.
Identifiers: ClinVar variation 540782 (VCV000540782.7), dbSNP rs1555225670, ClinGen allele CA387390779.